The following is an entry in ClinVar:

ClinVar aggregate classification (germline): Pathogenic. Review status: criteria provided, multiple submitters, no conflicts (2 of 4 stars). 11 submissions from 11 submitters: Pathogenic (8). 3 of the submissions do not count toward it. Last evaluated 2025-11-23.

Conditions:
KRT10-related disorder. Also called: KRT10-related condition.
Ichthyosis and erythrokeratoderma.
Epidermolytic ichthyosis. Also called: Congenital bullous ichthyosiform erythroderma; Bullous ichthyosiform erythroderma; KRT10-Related Epidermolytic Hyperkeratosis; Epidermolytic Hyperkeratosis. Identifiers: Orphanet 312, MedGen C0079153, MONDO:0007239, HP:0007475.
Epidermolytic hyperkeratosis 2A, autosomal dominant (EHK2A). Identifiers: MedGen C5882671, MONDO:0700248, OMIM 620150.
Epidermolytic hyperkeratosis 1 (EHK1). Also called: BULLOUS CONGENITAL ICHTHYOSIFORM ERYTHRODERMA; BULLOUS ERYTHRODERMA ICHTHYOSIFORMIS CONGENITA OF BROCQ. Identifiers: MedGen C5781874, MONDO:0700249, OMIM 113800.

Allele frequency attached by ClinVar (database versions not stated): ExAC 0.00001.

Submissions 1 to 7 of 11:

Labcorp Genetics (formerly Invitae), Labcorp
Classification: Pathogenic. Last evaluated: 2025-11-23. Review status: criteria provided, single submitter. Criteria: Invitae Variant Classification Sherloc (09022015). Collection method: clinical testing. Allele origin: germline.
Comment: This sequence change replaces arginine, which is basic and polar, with histidine, which is basic and polar, at codon 156 of the KRT10 protein (p.Arg156His). This variant is present in population databases (rs58075662, gnomAD 0.0009%). This missense change has been observed in individuals with autosomal dominant KRT10-related conditions (PMID: 1381287, 24001792). It has also been observed to segregate with disease in related individuals. ClinVar contains an entry for this variant (Variation ID: 14573). Invitae Evidence Modeling of protein sequence and biophysical properties (such as structural, functional, and spatial information, amino acid conservation, physicochemical variation, residue mobility, and thermodynamic stability) indicates that this missense variant is expected to disrupt KRT10 protein function with a positive predictive value of 80%. Experimental studies have shown that this missense change affects KRT10 function (PMID: 1381287). This variant disrupts the p.Arg156 amino acid residue in KRT10. Other variant(s) that disrupt this residue have been determined to be pathogenic (PMID: 7512983, 22930352, 26176760, 28532675; internal data). This suggests that this residue is clinically significant, and that variants that disrupt this residue are likely to be disease-causing. For these reasons, this variant has been classified as Pathogenic.

Genetics Laboratory, Great Ormond Street Hospital NHS Foundation Trust, North Thames Genomic Laboratory Hub
Classification: Pathogenic for Ichthyosis and erythrokeratoderma. Last evaluated: 2025-11-03. Review status: criteria provided, single submitter. Criteria: ACGS Best Practice Guidelines for Variant Classification in Rare Disease 2024 v1.2. Collection method: clinical testing. Allele origin: germline. Affected: yes.
Comment: PS4_moderate, PM2_moderate, PM1_moderate, PS2_very-strong, PP4_supporting

Blueprint Genetics
Classification: Pathogenic for KRT10-related disorders. Last evaluated: 2024-10-24. Review status: criteria provided, single submitter. Criteria: ACMG Guidelines, 2015. Collection method: clinical testing. Allele origin: germline. Affected: yes. Observed: 5 variant alleles.

Genetics Department, Catlab
Classification: Pathogenic for Epidermolytic hyperkeratosis 2A, autosomal dominant. Last evaluated: 2024-07-03. Review status: criteria provided, single submitter. Criteria: ACMG Guidelines, 2015. Collection method: clinical testing. Allele origin: germline. Affected: yes. Observed: 1 variant allele.
Comment: The c.467G>A variant in the KRT10 gene has been previously detected in patients with epidermolytic hyperkeratosis (PMID: 24001792) (PS4_Moderate) and functional studies have shown that the variant alters the protein in a deleterious manner (PMID: 1381287) (PS3). This change is absent from gnomAD v4.1 (PM2) and another amino acid change in the same position has been previously described as pathogenic (PMID:26176760) (PM5). With all the available evidence, the variant is classified as pathogenic.

Clinical Genomics Laboratory, Washington University in St. Louis
Classification: Pathogenic for Epidermolytic hyperkeratosis 2A, autosomal dominant. Last evaluated: 2023-12-07. Review status: criteria provided, single submitter. Criteria: ACMG Guidelines, 2015. Collection method: clinical testing. Allele origin: somatic. Affected: yes.
Comment: The KRT10 c.467G>A (p.Arg156His) variant was identified at an allelic fraction consistent with somatic origin. This variant has been reported in multiple individuals affected by ichthyosis (Cheng J et al., PMID: 1381287; Diociaiuti A et al., PMID: 33081034; Haruna K et al., PMID: 17683385; Li Z et al., PMID: 25214791; Elango T et al., PMID: 29784039; Mayuzumi N et al., PMID: 11204523). This variant has been reported in the ClinVar database as a pathogenic germline variant by multiple submitters (ClinVar ID: 14573) and in two cases in the cancer database COSMIC as a somatic variant (ID: COSV54091758). This variant is absent from the general population, indicating that it is not a common variant (gnomAD v.4.0.0). The KRT10 c.467G>A (p.Arg156His) variant resides within an intermediate filament rod domain of KRT10 that is defined as a critical functional domain (Porter RM et al., PMID: 12711220; Rothnagel JA et al., PMID: 1380725). Computational predictors indicate that the variant is damaging, evidence that correlates with impact to KRT10 function. In support of this prediction, functional studies show that this variant acts in a dominant negative fashion to generate the aberrant keratin filament networks (Cheng J et al., PMID: 1381287). Another variant in the same codon, c.466C>T (Arg156Cys), has been reported in multiple individuals affected by ichthyosis and is considered pathogenic (Mirza H et al., PMID: 26176760; ClinVar ID: 14576). Based on an internally developed protocol informed by the ACMG/AMP guidelines (Richards S et al., PMID: 25741868) and gene-specific practices from the ClinGen Criteria Specification Registry, the KRT10 c.467G>A (p.Arg156His) variant is classified as pathogenic.

Victorian Clinical Genetics Services, Murdoch Childrens Research Institute
Classification: Pathogenic for Epidermolytic hyperkeratosis 1. Last evaluated: 2023-07-17. Review status: criteria provided, single submitter. Criteria: ACMG Guidelines, 2015. Collection method: clinical testing. Allele origin: germline. Inheritance: Autosomal dominant inheritance. Affected: yes.
Comment: Based on the classification scheme VCGS_Germline_v1.3.4, this variant is classified as Pathogenic. Following criteria are met: 0103 - Dominant negative and loss of function are known mechanisms of disease in this gene and are associated with ichthyosis with confetti (MIM#609165) and epidermolytic hyperkeratosis (MIM#113800), respectively. Frameshift variants resulting in an arginine-rich C-terminal peptide have been reported with a dominant negative mechanism, while those predicted to undergo nonsense-mediated decay (NMD) have a loss of function mechanism (PMIDs: 20798280, 31638346). A toxic gain of function has also been demonstrated for one missense variant associated with dominant epidermolytic hyperkeratosis (MIM#113800) (PMID: 26176760). (I) 0108 - This gene is associated with both recessive and dominant disease. Individuals with biallelic variants predicted to undergo NMD have been reported with recessive disease (PMIDs: 18219278, 16505000). Individuals with frameshift variants affecting the last exon, missense variants and splice variants have all been reported with dominant disease (PMIDs: 26176760, 20798280, 31638346). (I) 0115 - Variants in this gene are known to have variable expressivity. Intrafamilial variability has been noted for annular epidermolytic ichthyosis (MIM#1607602) (OMIM). (I) 0200 - Variant is predicted to result in a missense amino acid change from arginine to histidine. (I) 0254 - This variant is confirmed mosaic. (I) 0301 - Variant is absent from gnomAD (both v2 and v3). (SP) 0501 - Missense variant consistently predicted to be damaging by multiple in silico tools and very highly conserved with a minor amino acid change. (SP) 0600 - Variant is located in the annotated filament coiled coil domain (DECIPHER). (I) 0801 - This variant has strong previous evidence of pathogenicity in unrelated individuals. This variant has been reported in at least ten individuals across different populations, with or without a family history of epidermolytic ichthyosis (CinVar, PMIDs: 21271994, 25214791, 33081034). (SP) 1208 - Inheritance information for this variant is not currently available in this individual. (I) Legend: (SP) - Supporting pathogenic, (I) - Information, (SB) - Supporting benign

GeneDx
Classification: Pathogenic. Last evaluated: 2021-08-11. Review status: criteria provided, single submitter. Criteria: GeneDx Variant Classification Process June 2021. Collection method: clinical testing. Allele origin: germline. Affected: yes.
Comment: Located within the 1A domain helix initiation motif that is intolerant to change; variants affecting residues at the ends of the central rod domains of keratin proteins (helix initiation and termination motifs) interfere with proper keratin intermediate filament assembly and function, resulting in skin fragility and/or hyperkeratosis (Chamcheu et al., 2011); Not observed at a significant frequency in large population cohorts (Lek et al., 2016); In silico analysis supports that this missense variant has a deleterious effect on protein structure/function; This variant is associated with the following publications: (PMID: 11558869, 24001792, 21811984, 25214791, 1381287, 7509230, 31046801, 31909138, 31953843, 18033728, 24077912)

NM_000421.5(KRT10):c.467G>A (p.Arg156His)

Genes: KRT10 (keratin 10; minus strand), KRT10-AS1 (KRT10 antisense RNA 1; plus strand). Cytogenetic location: 17q21.2.
Variant type: single nucleotide variant.
Coding change: c.467G>A on transcript NM_000421.5 (MANE Select); coding-DNA position 467, G replaced by A.
Protein change: p.Arg156His; replaces arginine 156 with histidine.
Molecular consequence: missense variant.
Genome position (GRCh38, 1-based): chr17:40,822,119, C>T on the plus strand (G>A on the coding strand, the complement: KRT10 is on the minus strand). VCF-style: chr17-40822119-C-T. GRCh37 (hg19) VCF-style: chr17-38978371-C-T.
Other names: R10H; c.467G>A, p.Arg156His (NM_001379366.1); short protein forms R156H.
Identifiers: ClinVar variation 14573 (VCV000014573.18), dbSNP rs58075662, ClinGen allele CA124134.